The following is an entry in ClinVar:

NM_001371395.1(USP53):c.1940A>G (p.Lys647Arg)

Gene: USP53 (ubiquitin specific peptidase 53; plus strand). Cytogenetic location: 4q26.
Variant type: single nucleotide variant.
Coding change: c.1940A>G on transcript NM_001371395.1 (MANE Select); coding-DNA position 1940, A replaced by G.
Protein change: p.Lys647Arg; replaces lysine 647 with arginine.
Molecular consequence: missense variant.
Genome position (GRCh38, 1-based): chr4:119,271,800, A>G. VCF-style: chr4-119271800-A-G. GRCh37 (hg19) VCF-style: chr4-120192955-A-G.
Other names: c.1787A>G, p.Lys596Arg (NM_001371396.1, NM_001389661.1); c.1940A>G, p.Lys647Arg (NM_001371397.1, NM_001371398.1, NM_001371399.1 and 3 more transcripts); c.1790A>G, p.Lys597Arg (NM_001389660.1); c.1592A>G, p.Lys531Arg (NM_001389662.1, NM_001389663.1, NM_001389664.1 and 1 more transcripts); c.1439A>G, p.Lys480Arg (NM_001389665.1, NM_001389667.1); c.1940A>G (NM_019050.2); short protein forms K531R, K596R, K480R, K647R, K597R.
Identifiers: ClinVar variation 2200011 (VCV002200011.8), dbSNP rs190903270, ClinGen allele CA3059250.

ClinVar aggregate classification (germline): Conflicting classifications of pathogenicity. Review status: criteria provided, conflicting classifications (1 of 4 stars). 3 submissions from 3 submitters: Uncertain significance (1); Likely benign (1). 1 of the submissions does not count toward it. Last evaluated 2025-12-21.

Conditions:
USP53-related disorder. Also called: USP53-related condition.
Inborn genetic diseases. Identifiers: MedGen C0950123, MeSH D030342.

Allele frequency attached by ClinVar (database versions not stated): gnomAD exomes 0.00009; ExAC 0.00037; 1000 Genomes Project 0.00080; 1000 Genomes Project 30x 0.00094; gnomAD 0.00113; TOPMed 0.00130; ESP Exome Variant Server 0.00160.
gnomAD v4.1: 309 of 1,612,588 alleles (0.019%); highest among the groups gnomAD compares: African/African-American, 0.37%; no homozygotes.

Submissions (3):

Labcorp Genetics (formerly Invitae), Labcorp
Classification: Likely benign. Last evaluated: 2025-12-21. Review status: criteria provided, single submitter. Criteria: Invitae Variant Classification Sherloc (09022015). Collection method: clinical testing. Allele origin: germline.

Ambry Genetics
Classification: Uncertain significance for Inborn genetic diseases. Last evaluated: 2024-11-08. Review status: criteria provided, single submitter. Criteria: Ambry Variant Classification Scheme 2023. Collection method: clinical testing. Allele origin: germline.

PreventionGenetics, part of Exact Sciences
Classification: Likely benign for USP53-related condition. Last evaluated: 2022-12-27. Review status: no assertion criteria provided. Collection method: clinical testing. Allele origin: germline. Not counted in ClinVar's aggregate classification.
Comment: This variant is classified as likely benign based on ACMG/AMP sequence variant interpretation guidelines (Richards et al. 2015 PMID: 25741868, with internal and published modifications).